The following is an entry in ClinVar:

NM_005529.7(HSPG2):c.1654+22C>T

Gene: HSPG2 (heparan sulfate proteoglycan 2; minus strand). Cytogenetic location: 1p36.12.
Variant type: single nucleotide variant.
Coding change: c.1654+22C>T on transcript NM_005529.7 (MANE Select); 22 bases into the intron after coding-DNA position 1654, C replaced by T.
Molecular consequence: intron variant.
Genome position (GRCh38, 1-based): chr1:21,884,506, G>A on the plus strand (C>T on the coding strand, the complement: HSPG2 is on the minus strand). VCF-style: chr1-21884506-G-A. GRCh37 (hg19) VCF-style: chr1-22210999-G-A.
Other names: c.1657+22C>T (NM_001291860.2); c.1654+22C>T (NM_005529.6).
Identifiers: ClinVar variation 995653 (VCV000995653.11), dbSNP rs367553961, ClinGen allele CA673352.
Genomic context (GRCh38, chr1:21,884,506, plus strand): 5'-TCCGCATCTATCCTCTGTGCCCCCTGGGTACAGAGGTACCCACCTCCCACCTCCCGCAGC[G>A]CTCACCCGCCCGCCAACGCACCCTTGAAGTCATCGGGTTGGTCAAAGCGCAGCCTGATCT-3'

ClinVar aggregate classification (germline): Conflicting classifications of pathogenicity. Review status: criteria provided, conflicting classifications (1 of 4 stars). 3 submissions from 3 submitters: Uncertain significance (1); Likely benign (2). Last evaluated 2025-06-03.

Conditions:
HSPG2-related disorder. Also called: HSPG2-related disorders; HSPG2-related condition.

Allele frequency attached by ClinVar (database versions not stated): ExAC 0.00041; gnomAD 0.00042 and 0.00044; gnomAD exomes 0.00043 and 0.00075; ESP Exome Variant Server 0.00046; TOPMed 0.00049.
gnomAD v4.1: 1,168 of 1,610,626 alleles (0.073%); highest among the groups gnomAD compares: Non-Finnish European, 0.086%; 1 homozygote.

Submissions (3):

PreventionGenetics, part of Exact Sciences
Classification: Uncertain significance for HSPG2-related condition. Last evaluated: 2025-06-03. Review status: criteria provided, single submitter. Criteria: ACMG Guidelines, 2015. Collection method: clinical testing. Allele origin: germline.
Comment: The HSPG2 c.1654+22C>T variant is predicted to interfere with splicing. To our knowledge, this variant has not been reported in the literature. This variant is reported in 0.076% of alleles in individuals of Latino descent in gnomAD. Although we suspect that this variant may be benign, at this time, the clinical significance of this variant is uncertain due to the absence of conclusive functional and genetic evidence.

Blueprint Genetics
Classification: Likely benign. Last evaluated: 2024-10-21. Review status: criteria provided, single submitter. Criteria: ACMG Guidelines, 2015. Collection method: clinical testing. Allele origin: germline.

ARUP Laboratories, Molecular Genetics and Genomics, ARUP Laboratories
Classification: Likely benign. Last evaluated: 2021-10-25. Review status: criteria provided, single submitter. Criteria: ARUP Molecular Germline Variant Investigation Process 2021. Collection method: clinical testing. Allele origin: germline.